The following is an entry in ClinVar:

NM_001267550.2(TTN):c.95415C>A (p.Phe31805Leu)

Genes: TTN (titin; minus strand), TTN-AS1 (TTN antisense RNA 1; plus strand). Cytogenetic location: 2q31.2.
Variant type: single nucleotide variant.
Coding change: c.95415C>A on transcript NM_001267550.2 (MANE Select); coding-DNA position 95415, C replaced by A.
Protein change: p.Phe31805Leu; replaces phenylalanine 31805 with leucine.
Molecular consequence: missense variant.
Genome position (GRCh38, 1-based): chr2:178,545,821, G>T on the plus strand (C>A on the coding strand, the complement: TTN is on the minus strand). VCF-style: chr2-178545821-G-T. GRCh37 (hg19) VCF-style: chr2-179410548-G-T.
Other names: p.F30164L:TTC>TTA; c.95415C>A (LRG_391t1); c.90492C>A, p.Phe30164Leu (NM_001256850.1); c.68220C>A, p.Phe22740Leu (NM_003319.4); c.87711C>A, p.Phe29237Leu (NM_133378.4); c.68595C>A, p.Phe22865Leu (NM_133432.3); c.68796C>A, p.Phe22932Leu (NM_133437.4); short protein forms F31805L, F30164L, F22740L, F22865L, F29237L, F22932L.
Identifiers: ClinVar variation 137813 (VCV000137813.23), dbSNP rs587780983, ClinGen allele CA291482.

ClinVar aggregate classification (germline): Conflicting classifications of pathogenicity. Review status: criteria provided, conflicting classifications (1 of 4 stars). 12 submissions from 12 submitters: Uncertain significance (11); Likely benign (1). Last evaluated 2026-09-21.

Conditions:
TTN-related disorder. Also called: TTN-related condition; TTN-related disease; TTN-related disorders.
Cardiovascular phenotype. Identifiers: MedGen CN230736.
Autosomal recessive limb-girdle muscular dystrophy type 2J (LGMDR10). Also called: Limb-girdle muscular dystrophy, type 2J; MUSCULAR DYSTROPHY, LIMB-GIRDLE, AUTOSOMAL RECESSIVE 10. Identifiers: Orphanet 140922, MedGen C1837342, MONDO:0012127, OMIM 608807.
Dilated cardiomyopathy 1G (CMD1G). Identifiers: Orphanet 154, MedGen C1858763, MONDO:0011400, OMIM 604145.
Early-onset myopathy with fatal cardiomyopathy (CMYO5). Also called: Salih Myopathy; CONGENITAL MYOPATHY 5 WITH CARDIOMYOPATHY. Identifiers: Orphanet 289377, MedGen C2673677, MONDO:0012714, OMIM 611705. Disease mechanism: loss of function.
Tibial muscular dystrophy (TMD). Also called: UDD MYOPATHY; Tibial muscular dystrophy, tardive; Udd Distal Myopathy – Tibial Muscular Dystrophy. Identifiers: Orphanet 609, MedGen C1838244, MONDO:0010870, OMIM 600334.
Myopathy, myofibrillar, 9, with early respiratory failure (MFM9). Also called: Hereditary myopathy with early respiratory failure; EDSTROM MYOPATHY; MYOPATHY, PROXIMAL, WITH EARLY RESPIRATORY MUSCLE INVOLVEMENT; Myopathy, distal, with early respiratory failure, autosomal dominant. Identifiers: Orphanet 178464, Orphanet 34521, MedGen C1863599, MONDO:0011362, OMIM 603689.
Hypertrophic cardiomyopathy 9. Also called: Familial hypertrophic cardiomyopathy 9. Identifiers: MedGen C1861065, MONDO:0013412, OMIM 613765.
Cardiomyopathy (CMYO). Also called: Cardiomyopathies. Identifiers: Orphanet 167848, MedGen C0878544, MONDO:0004994, HP:0001638. Inheritance: Various modes of inheritance.

Allele frequency attached by ClinVar (database versions not stated): gnomAD 0.00002; TOPMed 0.00002; gnomAD exomes 0.00005 and 0.00004; ExAC 0.00005.
gnomAD v4.1: 78 of 1,612,596 alleles (0.0048%); highest among the groups gnomAD compares: Middle Eastern, 0.18%; no homozygotes.

Submissions (12):

Molecular Diagnostic Laboratory for Inherited Cardiovascular Disease, Montreal Heart Institute
Classification: Uncertain significance for Cardiovascular phenotype. Last evaluated: 2026-09-21. Review status: criteria provided, single submitter. Criteria: ACMG Guidelines, 2015. Collection method: clinical testing. Allele origin: germline. Affected: yes.
Comment: PM1, BS1

GeneDx
Classification: Uncertain significance. Last evaluated: 2026-01-16. Review status: criteria provided, single submitter. Criteria: GeneDx Variant Classification Process June 2021. Collection method: clinical testing. Allele origin: germline. Affected: yes.
Comment: Identified in unrelated patients with DCM, ARVC and unspecified skeletal myopathy in published literature (PMID: 26516846, 28750076, 32039858); In silico analysis supports that this missense variant has a deleterious effect on protein structure/function; Also known as c.87711C>A p.(F29237) and c.68220 C>A p.(F22740L) due to use of alternate nomenclature/transcripts; This variant is associated with the following publications: (PMID: 34426522, 28750076, 26516846, 35207729, 24636144, 32039858)

Genomic Medicine Center of Excellence, King Faisal Specialist Hospital and Research Centre
Classification: Uncertain significance for Dilated cardiomyopathy 1G. Last evaluated: 2025-09-10. Review status: criteria provided, single submitter. Criteria: ACMG Guidelines, 2015. Collection method: clinical testing. Allele origin: germline.

PreventionGenetics, part of Exact Sciences
Classification: Uncertain significance for TTN-related condition. Last evaluated: 2025-04-22. Review status: criteria provided, single submitter. Criteria: ACMG Guidelines, 2015. Collection method: clinical testing. Allele origin: germline.
Comment: The TTN c.95415C>A variant is predicted to result in the amino acid substitution p.Phe31805Leu. This variant has been reported in individuals with arrhythmogenic right ventricular cardiomyopathy (referred to as F22740L in Table S5, Forleo et al. 2017. PubMed ID: 28750076), inherited skeletal muscle disease (Savarese et al. 2020. PubMed ID: 32039858), and dilated cardiomyopathy (referred to as p.29237F>L in Table S1, Campuzano et al. 2015. PubMed ID: 26516846). This variant is reported in 0.0089% of alleles in individuals of European (Non-Finnish) descent in gnomAD. At this time, the clinical significance of this variant is uncertain due to the absence of conclusive functional and genetic evidence.

Revvity Omics, Revvity
Classification: Uncertain significance. Last evaluated: 2025-03-20. Review status: criteria provided, single submitter. Criteria: ACMG Guidelines, 2015. Collection method: clinical testing. Allele origin: germline.

Blueprint Genetics
Classification: Likely benign. Last evaluated: 2024-09-21. Review status: criteria provided, single submitter. Criteria: ACMG Guidelines, 2015. Collection method: clinical testing. Allele origin: germline.

Women's Health and Genetics/Laboratory Corporation of America, LabCorp
Classification: Uncertain significance. Last evaluated: 2022-07-19. Review status: criteria provided, single submitter. Criteria: LabCorp Variant Classification Summary - May 2015. Collection method: clinical testing. Allele origin: germline.
Comment: Variant summary: TTN c.87711C>A (p.Phe29237Leu) results in a non-conservative amino acid change located in the A-band domain of the encoded protein sequence. Three of five in-silico tools predict a damaging effect of the variant on protein function. The variant allele was found at a frequency of 4e-05 in 248118 control chromosomes. This frequency is not significantly higher than estimated for a pathogenic variant in TTN causing Dilated Cardiomyopathy (4e-05 vs 0.00039), allowing no conclusion about variant significance. c.87711C>A has been reported in the literature in individuals affected with Dilated Cardiomyopathy and ARVC (Campuzano_2015, Forleo_2017). These report(s) do not provide unequivocal conclusions about association of the variant with Dilated Cardiomyopathy. To our knowledge, no experimental evidence demonstrating an impact on protein function has been reported. Five clinical diagnostic laboratories have submitted clinical-significance assessments for this variant to ClinVar after 2014 without evidence for independent evaluation. All laboratories classified the variant as uncertain significance. Based on the evidence outlined above, the variant was classified as uncertain significance.

Fulgent Genetics
Classification: Uncertain significance for Tibial muscular dystrophy; Myopathy, myofibrillar, 9, with early respiratory failure; Dilated cardiomyopathy 1G; Autosomal recessive limb-girdle muscular dystrophy type 2J; Early-onset myopathy with fatal cardiomyopathy; Hypertrophic cardiomyopathy 9. Last evaluated: 2022-04-07. Review status: criteria provided, single submitter. Criteria: ACMG Guidelines, 2015. Collection method: clinical testing. Allele origin: unknown.

Ambry Genetics
Classification: Uncertain significance for Cardiovascular phenotype. Last evaluated: 2020-03-25. Review status: criteria provided, single submitter. Criteria: Ambry Variant Classification Scheme 2023. Collection method: clinical testing. Allele origin: germline.
Comment: The p.F22740L variant (also known as c.68220C>A), located in coding exon 170 of the TTN gene, results from a C to A substitution at nucleotide position 68220. The phenylalanine at codon 22740 is replaced by leucine, an amino acid with highly similar properties. This variant was detected in an individual with arrhythmogenic right ventricular cardiomyopathy who also had variants in the OBSCN gene (Forleo C et al. PLoS ONE, 2017 Jul;12:e0181842). This amino acid position is not well conserved in available vertebrate species. In addition, the in silico prediction for this alteration is inconclusive. Since supporting evidence is limited at this time, the clinical significance of this alteration remains unclear.

CHEO Genetics Diagnostic Laboratory, Children's Hospital of Eastern Ontario
Classification: Uncertain significance for Cardiomyopathy. Last evaluated: 2019-03-14. Review status: criteria provided, single submitter. Criteria: ACMG Guidelines, 2015. Collection method: clinical testing. Allele origin: germline.

Labcorp Genetics (formerly Invitae), Labcorp
Classification: Uncertain significance for Dilated cardiomyopathy 1G; Autosomal recessive limb-girdle muscular dystrophy type 2J. Last evaluated: 2017-12-19. Review status: criteria provided, single submitter. Criteria: Invitae Variant Classification Sherloc (09022015). Collection method: clinical testing. Allele origin: germline.

Breakthrough Genomics
Classification: Uncertain significance. Review status: criteria provided, single submitter. Criteria: ACMG Guidelines, 2015. Collection method: not provided. Allele origin: germline. Inheritance: Autosomal recessive inheritance. Affected: yes.

Literature cited by the submitters: PubMed 28750076 (cited by Women's Health and Genetics/Laboratory Corporation of America, LabCorp and Ambry Genetics); PubMed 26516846 (cited by Women's Health and Genetics/Laboratory Corporation of America, LabCorp); PubMed 32039858 (cited by Women's Health and Genetics/Laboratory Corporation of America, LabCorp).